The following is an entry in ClinVar:

ClinVar aggregate classification (germline): Uncertain significance (1 of 4 stars; one submission).

Conditions:
Genitopatellar syndrome (GTPTS). Also called: Genitopatellar syndrome (GPS); ABSENT PATELLAE, SCROTAL HYPOPLASIA, RENAL ANOMALIES, FACIAL DYSMORPHISM, AND MENTAL RETARDATION. Identifiers: Orphanet 85201, MedGen C1853566, MONDO:0011640, OMIM 606170.

Allele frequency attached by ClinVar (database versions not stated): gnomAD exomes below 0.00001; ExAC 0.00001.
gnomAD v4.1: 1 of 1,614,232 alleles (0.000062%); highest among the groups gnomAD compares: Non-Finnish European, 0.000085%; no homozygotes.

Submission:

Labcorp Genetics (formerly Invitae), Labcorp
Classification: Uncertain significance for Genitopatellar syndrome. Last evaluated: 2023-07-26. Review status: criteria provided, single submitter. Criteria: Invitae Variant Classification Sherloc (09022015). Collection method: clinical testing. Allele origin: germline.
Comment: In summary, the available evidence is currently insufficient to determine the role of this variant in disease. Therefore, it has been classified as a Variant of Uncertain Significance. Algorithms developed to predict the effect of missense changes on protein structure and function output the following: SIFT: "Not Available"; PolyPhen-2: "Benign"; Align-GVGD: "Not Available". The isoleucine amino acid residue is found in multiple mammalian species, which suggests that this missense change does not adversely affect protein function. This variant has not been reported in the literature in individuals affected with KAT6B-related conditions. This variant is present in population databases (rs749543997, gnomAD 0.002%). This sequence change replaces valine, which is neutral and non-polar, with isoleucine, which is neutral and non-polar, at codon 1188 of the KAT6B protein (p.Val1188Ile).

NM_012330.4(KAT6B):c.3562G>A (p.Val1188Ile)

Gene: KAT6B (lysine acetyltransferase 6B; plus strand). Cytogenetic location: 10q22.2.
Variant type: single nucleotide variant.
Coding change: c.3562G>A on transcript NM_012330.4 (MANE Select); coding-DNA position 3562, G replaced by A.
Protein change: p.Val1188Ile; replaces valine 1188 with isoleucine.
Molecular consequence: missense variant.
Genome position (GRCh38, 1-based): chr10:75,025,147, G>A. VCF-style: chr10-75025147-G-A. GRCh37 (hg19) VCF-style: chr10-76784905-G-A.
Other names: c.3013G>A, p.Val1005Ile (NM_001256468.2, NM_001370138.1); c.2686G>A, p.Val896Ile (NM_001256469.2, NM_001370139.1, NM_001370140.1 and 2 more transcripts); c.2524G>A, p.Val842Ile (NM_001370132.1); c.1873G>A, p.Val625Ile (NM_001370133.1); c.1477G>A, p.Val493Ile (NM_001370134.1); c.1219G>A, p.Val407Ile (NM_001370135.1); c.3562G>A, p.Val1188Ile (NM_001370136.1, NM_001370137.1); c.2497G>A, p.Val833Ile (NM_001370143.1, NM_001370144.1); short protein forms V407I, V493I, V833I, V896I, V1005I, V625I, V842I, V1188I.
Identifiers: ClinVar variation 2848976 (VCV002848976.3), dbSNP rs749543997, ClinGen allele CA5564852.
Genomic context (GRCh38, chr10:75,025,147, plus strand): 5'-CCAATGCCACAGCTGGAGCCTACCTGTGAGATTGAAGTGGAGGAAGATGGCAGGAAGCCA[G>A]TCCTGAGAAAAGCATTCCAGCATCAGCCTGGGAAGAAAAGACAAACAGAGGAAGAGGAAG-3'
Protein context (NP_036462.2, residues 1178-1198): IEVEEDGRKP[Val1188Ile]LRKAFQHQPG